The following is an entry in ClinVar:

ClinVar aggregate classification (germline): Uncertain significance. Review status: criteria provided, multiple submitters, no conflicts (2 of 4 stars). 3 submissions from 3 submitters: Uncertain significance (3). Last evaluated 2025-06-19.

Conditions:
Acute myeloid leukemia (AML). Also called: Acute myeloid leukemia, adult; AML adult; Acute non-lymphocytic leukemia; Acute granulocytic leukemia; Leukemia, acute myelogenous, somatic; Leukemia, acute myeloid, somatic. Identifiers: Orphanet 519, MedGen C0023467, MeSH D015470, MONDO:0018874, OMIM 601626, HP:0004808. Disease mechanism: Constitutively activated FLT3.
Inborn genetic diseases. Identifiers: MedGen C0950123, MeSH D030342.

Submissions (3):

Ambry Genetics
Classification: Uncertain significance for Inborn genetic diseases. Last evaluated: 2025-06-19. Review status: criteria provided, single submitter. Criteria: Ambry Variant Classification Scheme 2023. Collection method: clinical testing. Allele origin: germline.
Comment: The p.S251C variant (also known as c.751A>T), located in coding exon 1 of the CEBPA gene, results from an A to T substitution at nucleotide position 751. The serine at codon 251 is replaced by cysteine, an amino acid with dissimilar properties. This amino acid position is conserved. In addition, this alteration is predicted to be tolerated by in silico analysis. Based on the available evidence, the clinical significance of this variant remains unclear.

Baylor Genetics
Classification: Uncertain significance for Acute myeloid leukemia. Last evaluated: 2023-08-23. Review status: criteria provided, single submitter. Criteria: ACMG Guidelines, 2015. Collection method: clinical testing. Allele origin: unknown.

Labcorp Genetics (formerly Invitae), Labcorp
Classification: Uncertain significance for Acute myeloid leukemia. Last evaluated: 2023-02-20. Review status: criteria provided, single submitter. Criteria: Invitae Variant Classification Sherloc (09022015). Collection method: clinical testing. Allele origin: germline.
Comment: In summary, the available evidence is currently insufficient to determine the role of this variant in disease. Therefore, it has been classified as a Variant of Uncertain Significance. An algorithm developed to predict the effect of missense changes on protein structure and function (PolyPhen-2) suggests that this variant is likely to be tolerated. This variant has not been reported in the literature in individuals affected with CEBPA-related conditions. This variant is not present in population databases (gnomAD no frequency). This sequence change replaces serine, which is neutral and polar, with cysteine, which is neutral and slightly polar, at codon 251 of the CEBPA protein (p.Ser251Cys).

NM_004364.5(CEBPA):c.751A>T (p.Ser251Cys)

Gene: CEBPA (CCAAT enhancer binding protein alpha; minus strand). Cytogenetic location: 19q13.11.
Variant type: single nucleotide variant.
Coding change: c.751A>T on transcript NM_004364.5 (MANE Select); coding-DNA position 751, A replaced by T.
Protein change: p.Ser251Cys; replaces serine 251 with cysteine.
Molecular consequence: missense variant.
Genome position (GRCh38, 1-based): chr19:33,301,664, T>A on the plus strand (A>T on the coding strand, the complement: CEBPA is on the minus strand). VCF-style: chr19-33301664-T-A. GRCh37 (hg19) VCF-style: chr19-33792570-T-A.
Other names: c.394A>T, p.Ser132Cys (NM_001285829.2); c.856A>T, p.Ser286Cys (NM_001287424.2); c.709A>T, p.Ser237Cys (NM_001287435.2); short protein forms S132C, S237C, S251C, S286C.
Identifiers: ClinVar variation 2680561 (VCV002680561.5), dbSNP rs1382832060, ClinGen allele CA405274291.